The following is an entry in ClinVar:

ClinVar aggregate classification (germline): Likely benign. Review status: criteria provided, multiple submitters, no conflicts (2 of 4 stars). 2 submissions from 2 submitters: Likely benign (2). Last evaluated 2026-04-23.

Conditions:
RAI1-related disorder. Also called: RAI1-related condition.

Allele frequency attached by ClinVar (database versions not stated): gnomAD 0.00001 and 0.00002; TOPMed 0.00002.

Submissions (2):

PreventionGenetics, part of Exact Sciences
Classification: Likely benign for RAI1-related condition. Last evaluated: 2026-04-23. Review status: criteria provided, single submitter. Criteria: ACMG Guidelines, 2015. Collection method: clinical testing. Allele origin: germline.
Comment: This variant is classified as likely benign based on ACMG/AMP sequence variant interpretation guidelines (Richards et al. 2015 PMID: 25741868, with internal and published modifications).

Labcorp Genetics (formerly Invitae), Labcorp
Classification: Likely benign. Last evaluated: 2025-12-12. Review status: criteria provided, single submitter. Criteria: Invitae Variant Classification Sherloc (09022015). Collection method: clinical testing. Allele origin: germline.

NM_030665.4(RAI1):c.5229C>T (p.Pro1743=)

Gene: RAI1 (retinoic acid induced 1; plus strand). Cytogenetic location: 17p11.2.
Variant type: single nucleotide variant.
Coding change: c.5229C>T on transcript NM_030665.4 (MANE Select); coding-DNA position 5229, C replaced by T.
Protein change: p.Pro1743=; no amino-acid change (proline 1743 retained).
Molecular consequence: synonymous variant.
Genome position (GRCh38, 1-based): chr17:17,798,177, C>T. VCF-style: chr17-17798177-C-T. GRCh37 (hg19) VCF-style: chr17-17701491-C-T.
Other names: c.5229C>T (NM_030665.3).
Identifiers: ClinVar variation 1542564 (VCV001542564.9), dbSNP rs769984460, ClinGen allele CA288371881.